The following is an entry in ClinVar:

NM_007294.4(BRCA1):c.3826T>C (p.Leu1276=)

Genes: BRCA1 (BRCA1 DNA repair associated; minus strand), LOC126862571 (BRD4-independent group 4 enhancer GRCh37_chr17:41243136-41244335; plus strand). Cytogenetic location: 17q21.31.
Variant type: single nucleotide variant.
Coding change: c.3826T>C on transcript NM_007294.4 (MANE Select); coding-DNA position 3826, T replaced by C.
Protein change: p.Leu1276=; no amino-acid change (leucine 1276 retained).
Molecular consequence: synonymous variant. On other transcripts: intron variant (135).
Genome position (GRCh38, 1-based): chr17:43,091,705, A>G on the plus strand (T>C on the coding strand, the complement: BRCA1 is on the minus strand). VCF-style: chr17-43091705-A-G. GRCh37 (hg19) VCF-style: chr17-41243722-A-G.
Other names: c.3613T>C, p.Leu1205= (NM_001407571.1, NM_001407853.1, NM_001407894.1 and 9 more transcripts); c.3826T>C, p.Leu1276= (NM_001407581.1, NM_001407582.1, NM_001407583.1 and 30 more transcripts); c.3823T>C, p.Leu1275= (NM_001407587.1, NM_001407590.1, NM_001407591.1 and 22 more transcripts); c.3817T>C, p.Leu1273= (NM_001407646.1, NM_001407647.1); c.3703T>C, p.Leu1235= (NM_001407648.1, NM_001407664.1, NM_001407665.1 and 19 more transcripts); c.3700T>C, p.Leu1234= (NM_001407649.1, NM_001407670.1, NM_001407671.1 and 11 more transcripts); c.3748T>C, p.Leu1250= (NM_001407653.1, NM_001407654.1, NM_001407655.1 and 4 more transcripts); c.3745T>C, p.Leu1249= (NM_001407659.1, NM_001407660.1, NM_001407661.1 and 1 more transcripts); and 41 more.
Identifiers: ClinVar variation 231468 (VCV000231468.22), dbSNP rs876659178, ClinGen allele CA10580549.

ClinVar aggregate classification (germline): Likely benign. Review status: reviewed by expert panel (3 of 4 stars). 6 submissions from 6 submitters: Likely benign (1). 5 of the submissions do not count toward it. Last evaluated 2017-06-29.

Conditions:
Breast-ovarian cancer, familial, susceptibility to, 1 (BROVCA1). Also called: BRCA1 Hereditary Breast and Ovarian Cancer; OVARIAN CANCER, SUSCEPTIBILITY TO. Identifiers: Orphanet 145, MedGen C2676676, MONDO:0011450, OMIM 604370. Disease mechanism: loss of function.
Hereditary breast ovarian cancer syndrome. Also called: Breast and ovarian cancer; Hereditary breast and ovarian cancer; Hereditary breast and ovarian cancer syndrome; Hereditary breast and/or ovarian cancer syndrome; BRCA1- and BRCA2-Associated Hereditary Breast and Ovarian Cancer; Hereditary breast and ovarian cancer syndrome (HBOC). Identifiers: Orphanet 145, MedGen C0677776, MeSH D061325, MONDO:0003582. Disease mechanism: loss of function.
Hereditary cancer-predisposing syndrome. Also called: Tumor predisposition; Hereditary Cancer Syndrome; Neoplastic Syndromes, Hereditary; Hereditary neoplastic syndrome. Identifiers: Orphanet 140162, MedGen C0027672, MeSH D009386, MONDO:0015356.

Allele frequency attached by ClinVar (database versions not stated): TOPMed 0.00001; gnomAD exomes below 0.00001.

Submissions (6):

Evidence-based Network for the Interpretation of Germline Mutant Alleles (ENIGMA)
Classification: Likely benign for Breast-ovarian cancer, familial, susceptibility to, 1. Last evaluated: 2017-06-29. Review status: reviewed by expert panel. Criteria: ENIGMA BRCA1/2 Classification Criteria (2017-06-29). Collection method: curation. Allele origin: germline.
Comment: Synonymous substitution variant, with low bioinformatic likelihood to result in a splicing aberration (Splicing prior probability 0.02).

Women's Health and Genetics/Laboratory Corporation of America, LabCorp
Classification: Likely benign. Last evaluated: 2024-12-06. Review status: criteria provided, single submitter. Criteria: LabCorp Variant Classification Summary - May 2015. Collection method: clinical testing. Allele origin: germline. Not counted in ClinVar's aggregate classification.

Labcorp Genetics (formerly Invitae), Labcorp
Classification: Likely benign for Hereditary breast ovarian cancer syndrome. Last evaluated: 2023-11-28. Review status: criteria provided, single submitter. Criteria: Invitae Variant Classification Sherloc (09022015). Collection method: clinical testing. Allele origin: germline. Not counted in ClinVar's aggregate classification.

All of Us Research Program, National Institutes of Health
Classification: Likely benign for Breast-ovarian cancer, familial, susceptibility to, 1. Last evaluated: 2023-05-04. Review status: criteria provided, single submitter. Criteria: ACMG Guidelines, 2015. Collection method: clinical testing. Allele origin: germline. Inheritance: Autosomal dominant inheritance. Observed: 2 variant alleles, 2 heterozygotes. Not counted in ClinVar's aggregate classification.
Comment: This study involves interpretation of variants in research participants for the purpose of population health screening. Participant phenotype was not available at the time of variant classification. Additional details can be found in publication PMID: 35346344, PMCID: PMC8962531

Color Diagnostics, LLC DBA Color Health
Classification: Likely benign for Hereditary cancer-predisposing syndrome. Last evaluated: 2017-05-01. Review status: criteria provided, single submitter. Criteria: ACMG Guidelines, 2015. Collection method: clinical testing. Allele origin: germline. Not counted in ClinVar's aggregate classification.

Ambry Genetics
Classification: Likely benign for Hereditary cancer-predisposing syndrome. Last evaluated: 2015-04-20. Review status: criteria provided, single submitter. Criteria: Ambry Variant Classification Scheme 2023. Collection method: clinical testing. Allele origin: germline. Not counted in ClinVar's aggregate classification.